The following is an entry in ClinVar:

ClinVar aggregate classification (germline): Likely benign. Review status: criteria provided, multiple submitters, no conflicts (2 of 4 stars). 2 submissions from 2 submitters: Likely benign (2). Last evaluated 2024-10-20.

Conditions:
KBG syndrome (KBGS). Also called: ANKRD11-Related KBG Syndrome. Identifiers: Orphanet 2332, MedGen C0220687, MONDO:0007846, OMIM 148050.

Allele frequency attached by ClinVar (database versions not stated): gnomAD 0.00001; gnomAD exomes 0.00001; ExAC 0.00004; TOPMed 0.00004.
gnomAD v4.1: 22 of 1,594,616 alleles (0.0014%); highest among the groups gnomAD compares: East Asian, 0.029%; no homozygotes.

Submissions (2):

Labcorp Genetics (formerly Invitae), Labcorp
Classification: Likely benign for KBG syndrome. Last evaluated: 2024-10-20. Review status: criteria provided, single submitter. Criteria: Invitae Variant Classification Sherloc (09022015). Collection method: clinical testing. Allele origin: germline.

CeGaT Center for Human Genetics Tuebingen
Classification: Likely benign. Last evaluated: 2023-10-01. Review status: criteria provided, single submitter. Criteria: CeGaT Center For Human Genetics Tuebingen Variant Classification Criteria Version 2. Collection method: clinical testing. Allele origin: germline. Affected: yes. Observed: 1 variant allele.
Comment: ANKRD11: BP4, BP7

NM_013275.6(ANKRD11):c.5517C>T (p.Pro1839=)

Gene: ANKRD11 (ankyrin repeat domain 11; minus strand). Cytogenetic location: 16q24.3.
Variant type: single nucleotide variant.
Coding change: c.5517C>T on transcript NM_013275.6 (MANE Select); coding-DNA position 5517, C replaced by T.
Protein change: p.Pro1839=; no amino-acid change (proline 1839 retained).
Molecular consequence: synonymous variant.
Genome position (GRCh38, 1-based): chr16:89,281,025, G>A on the plus strand (C>T on the coding strand, the complement: ANKRD11 is on the minus strand). VCF-style: chr16-89281025-G-A. GRCh37 (hg19) VCF-style: chr16-89347433-G-A.
Other names: c.5517C>T, p.Pro1839= (NM_001256182.2, NM_001256183.2).
Identifiers: ClinVar variation 2647067 (VCV002647067.26), dbSNP rs775390865, ClinGen allele CA8241814.